The following is an entry in ClinVar:

ClinVar aggregate classification (germline): Uncertain significance (1 of 4 stars; one submission).

Conditions:
Acromesomelic dysplasia 3 (AMD3). Also called: Acromesomelic dysplasia, Demirhan type; CHONDRODYSPLASIA, ACROMESOMELIC, WITH OR WITHOUT GENITAL ANOMALIES. Identifiers: MedGen C4225404, MONDO:0012274, OMIM 609441.
Type A2 brachydactyly (BDA2). Also called: BRACHYMESOPHALANGY II; MOHR-WRIEDT TYPE BRACHYDACTYLY; Brachymesophalangy type 2. Identifiers: Orphanet 93396, MedGen C1832702, MONDO:0007216, OMIM 112600, HP:0009372.

gnomAD v4.1: 15 of 1,613,346 alleles (0.00093%); highest among the groups gnomAD compares: South Asian, 0.0044%; no homozygotes.

Submission:

Labcorp Genetics (formerly Invitae), Labcorp
Classification: Uncertain significance for Type A2 brachydactyly; Acromesomelic dysplasia 3. Last evaluated: 2025-08-11. Review status: criteria provided, single submitter. Criteria: Invitae Variant Classification Sherloc (09022015). Collection method: clinical testing. Allele origin: germline.
Comment: This sequence change affects codon 55 of the BMPR1B mRNA. It is a 'silent' change, meaning that it does not change the encoded amino acid sequence of the BMPR1B protein. This variant is present in population databases (rs749067196, gnomAD 0.02%). This variant has not been reported in the literature in individuals affected with BMPR1B-related conditions. Algorithms developed to predict the effect of sequence changes on RNA splicing suggest that this variant may disrupt the consensus splice site. In summary, the available evidence is currently insufficient to determine the role of this variant in disease. Therefore, it has been classified as a Variant of Uncertain Significance.

NM_001203.3(BMPR1B):c.165G>A (p.Thr55=)

Gene: BMPR1B (bone morphogenetic protein receptor type 1B; plus strand). Cytogenetic location: 4q22.3.
Variant type: single nucleotide variant.
Coding change: c.165G>A on transcript NM_001203.3 (MANE Select); coding-DNA position 165, G replaced by A.
Protein change: p.Thr55=; no amino-acid change (threonine 55 retained).
Molecular consequence: synonymous variant.
Genome position (GRCh38, 1-based): chr4:95,114,741, G>A. VCF-style: chr4-95114741-G-A. GRCh37 (hg19) VCF-style: chr4-96035892-G-A.
Other names: c.165G>A, p.Thr55= (NM_001256792.2, NM_001256794.1); c.255G>A, p.Thr85= (NM_001256793.2).
Identifiers: ClinVar variation 4791771 (VCV004791771.1).